The following is an entry in ClinVar:

ClinVar aggregate classification (germline): Pathogenic (1 of 4 stars; one submission).

Conditions:
Trichorhinophalangeal dysplasia type I (TRPS1). Also called: TRICHORHINOPHALANGEAL SYNDROME, TYPE I; TRPS I. Identifiers: Orphanet 77258, MedGen C0432233, MONDO:0008596, OMIM 190350.
Trichorhinophalangeal syndrome, type III (TRPS3). Also called: SUGIO-KAJII SYNDROME. Identifiers: Orphanet 77258, MedGen C1860823, OMIM 190351, MONDO:0008597.

Submission:

Labcorp Genetics (formerly Invitae), Labcorp
Classification: Pathogenic for Trichorhinophalangeal syndrome, type III; Trichorhinophalangeal dysplasia type I. Last evaluated: 2025-04-11. Review status: criteria provided, single submitter. Criteria: Invitae Variant Classification Sherloc (09022015). Collection method: clinical testing. Allele origin: germline.
Comment: This sequence change creates a premature translational stop signal (p.Trp807*) in the TRPS1 gene. It is expected to result in an absent or disrupted protein product. Loss-of-function variants in TRPS1 are known to be pathogenic (PMID: 11112658). This variant is not present in population databases (gnomAD no frequency). This variant has not been reported in the literature in individuals affected with TRPS1-related conditions. ClinVar contains an entry for this variant (Variation ID: 3759498). For these reasons, this variant has been classified as Pathogenic.

Literature cited by the submitters: PubMed 11112658.

NM_014112.5(TRPS1):c.2420G>A (p.Trp807Ter)

Gene: TRPS1 (transcriptional repressor GATA binding 1; minus strand). Cytogenetic location: 8q23.3.
Variant type: single nucleotide variant.
Coding change: c.2420G>A on transcript NM_014112.5 (MANE Select); coding-DNA position 2420, G replaced by A.
Protein change: p.Trp807Ter; replaces tryptophan 807 with a stop codon.
Molecular consequence: nonsense.
Genome position (GRCh38, 1-based): chr8:115,587,281, C>T on the plus strand (G>A on the coding strand, the complement: TRPS1 is on the minus strand). VCF-style: chr8-115587281-C-T. GRCh37 (hg19) VCF-style: chr8-116599508-C-T.
Other names: c.2393G>A, p.Trp798Ter (NM_001282902.3); c.2399G>A, p.Trp800Ter (NM_001282903.3); c.2381G>A, p.Trp794Ter (NM_001330599.2); short protein forms W794*, W798*, W800*, W807*.
Identifiers: ClinVar variation 3759498 (VCV003759498.2).